The following is an entry in ClinVar:

NM_000514.4(GDNF):c.*1276A>G

Gene: GDNF (glial cell derived neurotrophic factor; minus strand). Cytogenetic location: 5p13.2.
Variant type: single nucleotide variant.
Coding change: c.*1276A>G on transcript NM_000514.4 (MANE Select); 1276 bases downstream of the stop codon, A replaced by G.
Molecular consequence: 3 prime UTR variant.
Genome position (GRCh38, 1-based): chr5:37,814,375, T>C on the plus strand (A>G on the coding strand, the complement: GDNF is on the minus strand). VCF-style: chr5-37814375-T-C. GRCh37 (hg19) VCF-style: chr5-37814477-T-C.
Other names: c.*1276A>G (NM_001190468.1, NM_001190469.1, NM_001278098.1 and 1 more transcripts).
Identifiers: ClinVar variation 353502 (VCV000353502.5), dbSNP rs142426358, ClinGen allele CA10621776.
Genomic context (GRCh38, chr5:37,814,375, plus strand): 5'-TGGAGCCCACGACATTTCTGTTCAGCAATGGAGCAAGGAAGAAATAAAGTCAAGTGCCAG[T>C]GGTCTCTGCACGCTGCTCCAGGAAAGGGGGCTTGCCTGAGATGCTCCACAAATAAAAATT-3'

ClinVar aggregate classification (germline): Likely benign (1 of 4 stars; one submission).

Conditions:
Hirschsprung disease, susceptibility to, 3. Identifiers: Orphanet 388, MedGen C3150974, MONDO:0013383, OMIM 613711.

Allele frequency attached by ClinVar (database versions not stated): gnomAD 0.00150 and 0.00180; TOPMed 0.00318; 1000 Genomes Project 0.00519; 1000 Genomes Project 30x 0.00547.

Submission:

Illumina Laboratory Services, Illumina
Classification: Likely benign for Hirschsprung disease, susceptibility to, 3. Last evaluated: 2017-04-27. Review status: criteria provided, single submitter. Criteria: ICSL Variant Classification Criteria 13 December 2019. Collection method: clinical testing. Allele origin: germline.
Comment: This variant was observed as part of a predisposition screen in an ostensibly healthy population. A literature search was performed for the gene, cDNA change, and amino acid change (where applicable). Publications were found based on this search. The evidence from the literature, in combination with allele frequency data from public databases where available, was sufficient to determine this variant is unlikely to cause disease. Therefore, this variant is classified as likely benign.

Literature cited by the submitters: PubMed 24997227.